The following is an entry in ClinVar:

NM_198578.4(LRRK2):c.2659T>C (p.Phe887Leu)

Gene: LRRK2 (leucine rich repeat kinase 2; plus strand). Cytogenetic location: 12q12.
Variant type: single nucleotide variant.
Coding change: c.2659T>C on transcript NM_198578.4 (MANE Select); coding-DNA position 2659, T replaced by C.
Protein change: p.Phe887Leu; replaces phenylalanine 887 with leucine.
Molecular consequence: missense variant.
Genome position (GRCh38, 1-based): chr12:40,287,509, T>C. VCF-style: chr12-40287509-T-C. GRCh37 (hg19) VCF-style: chr12-40681311-T-C.
Other names: short protein forms F887L.
Identifiers: ClinVar variation 3540467 (VCV003540467.1).

ClinVar aggregate classification (germline): Uncertain significance (1 of 4 stars; one submission).

Conditions:
Inborn genetic diseases. Identifiers: MedGen C0950123, MeSH D030342.

gnomAD v4.1: 1 of 1,612,502 alleles (0.000062%); highest among the groups gnomAD compares: African/African-American, 0.0013%; no homozygotes.

Submission:

Ambry Genetics
Classification: Uncertain significance for Inborn genetic diseases. Last evaluated: 2024-11-03. Review status: criteria provided, single submitter. Criteria: Ambry Variant Classification Scheme 2023. Collection method: clinical testing. Allele origin: germline.
Comment: The p.F887L variant (also known as c.2659T>C), located in coding exon 20 of the LRRK2 gene, results from a T to C substitution at nucleotide position 2659. The phenylalanine at codon 887 is replaced by leucine, an amino acid with highly similar properties. This amino acid position is conserved. In addition, the in silico prediction for this alteration is inconclusive. Based on the available evidence, the clinical significance of this variant remains unclear.